The following is an entry in ClinVar:

ClinVar aggregate classification (germline): Uncertain significance. Review status: criteria provided, multiple submitters, no conflicts (2 of 4 stars). 2 submissions from 2 submitters: Uncertain significance (2). Last evaluated 2025-09-08.

Allele frequency attached by ClinVar (database versions not stated): ExAC 0.00001; gnomAD exomes 0.00001 and 0.00003; gnomAD 0.00003; TOPMed 0.00003.
gnomAD v4.1: 51 of 1,613,998 alleles (0.0032%); highest among the groups gnomAD compares: Non-Finnish European, 0.0041%; no homozygotes.

Submissions (2):

Labcorp Genetics (formerly Invitae), Labcorp
Classification: Uncertain significance. Last evaluated: 2025-09-08. Review status: criteria provided, single submitter. Criteria: Invitae Variant Classification Sherloc (09022015). Collection method: clinical testing. Allele origin: germline.
Comment: This sequence change replaces valine, which is neutral and non-polar, with isoleucine, which is neutral and non-polar, at codon 337 of the CDHR1 protein (p.Val337Ile). This variant is present in population databases (rs764190821, gnomAD 0.004%). This variant has not been reported in the literature in individuals affected with CDHR1-related conditions. ClinVar contains an entry for this variant (Variation ID: 961812). Invitae Evidence Modeling of protein sequence and biophysical properties (such as structural, functional, and spatial information, amino acid conservation, physicochemical variation, residue mobility, and thermodynamic stability) indicates that this missense variant is not expected to disrupt CDHR1 protein function with a negative predictive value of 80%. In summary, the available evidence is currently insufficient to determine the role of this variant in disease. Therefore, it has been classified as a Variant of Uncertain Significance.

Blueprint Genetics
Classification: Uncertain significance. Last evaluated: 2024-02-26. Review status: criteria provided, single submitter. Criteria: ACMG Guidelines, 2015. Collection method: clinical testing. Allele origin: germline.

NM_033100.4(CDHR1):c.1009G>A (p.Val337Ile)

Gene: CDHR1 (cadherin related family member 1; plus strand). Cytogenetic location: 10q23.1.
Variant type: single nucleotide variant.
Coding change: c.1009G>A on transcript NM_033100.4 (MANE Select); coding-DNA position 1009, G replaced by A.
Protein change: p.Val337Ile; replaces valine 337 with isoleucine.
Molecular consequence: missense variant.
Genome position (GRCh38, 1-based): chr10:84,208,219, G>A. VCF-style: chr10-84208219-G-A. GRCh37 (hg19) VCF-style: chr10-85967975-G-A.
Other names: c.1009G>A, p.Val337Ile (NM_001171971.3); short protein forms V337I.
Identifiers: ClinVar variation 961812 (VCV000961812.10), dbSNP rs764190821, ClinGen allele CA5579812.
Genomic context (GRCh38, chr10:84,208,219, plus strand): 5'-TTGTCCCCATCCCAGGTGACTGAAATGAGCCCTGCGGGGAGCCCAGCTGCCCAGGCCACC[G>A]TCCCAGTCACCATCAGGATTGTGGACCTCAACAACCACCCGCCAACATTCTATGGAGAGA-3'
Protein context (NP_149091.1, residues 327-347): PAGSPAAQAT[Val337Ile]PVTIRIVDLN